The following is an entry in ClinVar:

NM_001323289.2(CDKL5):c.403+27A>G

Gene: CDKL5 (cyclin dependent kinase like 5; plus strand). Cytogenetic location: Xp22.13.
Variant type: single nucleotide variant.
Coding change: c.403+27A>G on transcript NM_001323289.2 (MANE Select); 27 bases into the intron after coding-DNA position 403, A replaced by G.
Molecular consequence: intron variant.
Genome position (GRCh38, 1-based): chrX:18,579,995, A>G. VCF-style: chrX-18579995-A-G. GRCh37 (hg19) VCF-style: chrX-18598115-A-G.
Other names: c.403+27A>G (NM_003159.3, NM_001037343.2).
Identifiers: ClinVar variation 189543 (VCV000189543.3), dbSNP rs786204959, ClinGen allele CA199361.

ClinVar aggregate classification (germline): Uncertain significance. Review status: criteria provided, single submitter (1 of 4 stars). 2 submissions from 2 submitters: Uncertain significance (1). 1 of the submissions does not count toward it. Last evaluated 2024-09-23.

Conditions:
CDKL5 disorder. Identifiers: MedGen CN296942, MONDO:0100039.

Submissions (2):

Centre for Population Genomics, CPG
Classification: Uncertain significance for CDKL5 disorder. Last evaluated: 2024-09-23. Review status: criteria provided, single submitter. Criteria: McKnight et al. (Hum Mutat. 2022). Collection method: curation. Allele origin: germline. Inheritance: X-linked inheritance.
Comment: This variant has been collected from RettBASE and curated to current modified ACMG/AMP criteria. Based on the classification scheme defined by the ClinGen Rett/Angelman-like Expert Panel for Rett/AS-like Disorders Specifications to the ACMG/AMP Variant Interpretation Guidelines VCEP 3.0, this variant is classified as a variant of uncertain significance. At least the following criteria are met: This variant is absent from gnomAD (PM2_Supporting). Synonymous or intronic variant where splicing prediction algorithms do not support significant splicing alteration (spliceAI score <=0.1) (BP4).

RettBASE
Classification: Likely benign. Last evaluated: 2014-03-13. Review status: no assertion criteria provided. Collection method: curation. Allele origin: unknown. Observed: 1 variant allele. Not counted in ClinVar's aggregate classification.
Comment: No effects on splicing predicted

Literature cited by the submitters: PubMed 22867051 (cited by RettBASE).